The following is an entry in ClinVar:

ClinVar aggregate classification (germline): Likely pathogenic (1 of 4 stars; one submission).

Submission:

GeneDx
Classification: Likely pathogenic. Last evaluated: 2025-06-26. Review status: criteria provided, single submitter. Criteria: GeneDx Variant Classification Process June 2021. Collection method: clinical testing. Allele origin: germline. Affected: yes.
Comment: Reported as a de novo variant in a patient with autism who also harbors an additional de novo variant (PMID: 35982159); In silico analysis suggests that this missense variant does not alter protein structure/function; Not observed at significant frequency in large population cohorts (gnomAD); This variant is associated with the following publications: (PMID: 36358773, 35982159)

NM_031407.7(HUWE1):c.9212G>A (p.Arg3071His)

Gene: HUWE1 (HECT, UBA and WWE domain containing E3 ubiquitin protein ligase 1; minus strand). Cytogenetic location: Xp11.22.
Variant type: single nucleotide variant.
Coding change: c.9212G>A on transcript NM_031407.7 (MANE Select); coding-DNA position 9212, G replaced by A.
Protein change: p.Arg3071His; replaces arginine 3071 with histidine.
Molecular consequence: missense variant.
Genome position (GRCh38, 1-based): chrX:53,551,074, C>T on the plus strand (G>A on the coding strand, the complement: HUWE1 is on the minus strand). VCF-style: chrX-53551074-C-T. GRCh37 (hg19) VCF-style: chrX-53578035-C-T.
Other names: c.9209G>A, p.Arg3070His (NM_001441048.1, NM_001441051.1, NM_001441053.1 and 2 more transcripts); c.9212G>A, p.Arg3071His (NM_001441049.1, NM_001441054.1, NM_001441057.1); c.9233G>A, p.Arg3078His (NM_001441050.1, NM_001441055.1); c.8810G>A, p.Arg2937His (NM_001441052.1); short protein forms R2937H, R3070H, R3071H, R3078H.
Identifiers: ClinVar variation 4680873 (VCV004680873.1).